The following is an entry in ClinVar:

NM_002047.2(GARS1):c.-534T>C

Gene: GARS1 (glycyl-tRNA synthetase 1; plus strand). Cytogenetic location: 7p14.3.
Variant type: single nucleotide variant.
Coding change: c.-534T>C on transcript NM_002047.2; 534 bases upstream of the start codon, T replaced by C.
Genome position (GRCh38, 1-based): chr7:30,594,388, T>C. VCF-style: chr7-30594388-T-C. GRCh37 (hg19) VCF-style: chr7-30634004-T-C.
Identifiers: ClinVar variation 683987 (VCV000683987.3), dbSNP rs2270025, ClinGen allele CA12535690.
Genomic context (GRCh38, chr7:30,594,388, plus strand): 5'-CCCCTCACTCCTCCTCCCCCGTTCGCCAGCTTTTGTCTTGACATCGGCGGACCAAGAATG[T>C]GTGACTCTGGGCAAATCATTAACCTCTCTGGGCCTATTTCCTTATCTGGGGAACATCTGC-3'

ClinVar aggregate classification (germline): Benign (1 of 4 stars; one submission).

Allele frequency attached by ClinVar (database versions not stated): 1000 Genomes Project 0.40535; gnomAD 0.48489 and 0.48582; TOPMed 0.46489; 1000 Genomes Project 30x 0.39678.

Submission:

GeneDx
Classification: Benign. Last evaluated: 2018-06-14. Review status: criteria provided, single submitter. Criteria: GeneDx Variant Classification (06012015). Collection method: clinical testing. Allele origin: germline. Affected: yes.
Comment: This variant is considered likely benign or benign based on one or more of the following criteria: it is a conservative change, it occurs at a poorly conserved position in the protein, it is predicted to be benign by multiple in silico algorithms, and/or has population frequency not consistent with disease.